The following is an entry in ClinVar:

NC_012920.1(MT-ND5):m.13781T>C

Gene: MT-ND5 (mitochondrially encoded NADH dehydrogenase 5; plus strand).
Variant type: single nucleotide variant.
Genome position: chrM-13781-T-C.
Identifiers: ClinVar variation 693609 (VCV000693609.1), dbSNP rs386829193, ClinGen allele CA337099812.
Genomic context (GRCh38, chrMT:13,781, plus strand): 5'-TATTCGCAGGATTTCTCATTACTAACAACATTTCCCCCGCATCCCCCTTCCAAACAACAA[T>C]CCCCCTCTACCTAAAACTCACAGCCCTCGCTGTCACTTTCCTAGGACTTCTAACAGCCCT-3'

ClinVar aggregate classification (germline): Benign (1 of 4 stars; one submission).

Conditions:
Leigh syndrome (NULS). Also called: Leigh's necrotizing encephalopathy; Leigh's disease; Leigh's syndrome; LEIGH SYNDROME, NUCLEAR; Leigh Syndrome (mtDNA deletion); Leigh Disease. Identifiers: Orphanet 506, MedGen C2931891, MONDO:0009723, OMIM 256000.

Submission:

Wong Mito Lab, Molecular and Human Genetics, Baylor College of Medicine
Classification: Benign for Leigh syndrome. Last evaluated: 2019-10-17. Review status: criteria provided, single submitter. Criteria: Modified ACMG Guidelines (Unpublished). Collection method: clinical testing. Allele origin: germline.
Comment: The NC_012920.1:m.13781T>C (YP_003024036.1:p.Ile482Thr) variant in MTND5 gene is interpretated to be a Benign variant based on the modified ACMG guidelines (unpublished). This variant meets the following evidence codes: BS1, BS4, BP4